The following is an entry in ClinVar:

ClinVar aggregate classification (germline): Uncertain significance (1 of 4 stars; one submission).

Conditions:
Congenital sideroblastic anemia-B-cell immunodeficiency-periodic fever-developmental delay syndrome. Also called: Sideroblastic anemia with B-cell immunodeficiency, periodic fevers, and developmental delay. Identifiers: Orphanet 369861, MedGen C4015172, MONDO:0014487, OMIM 616084.

Allele frequency attached by ClinVar (database versions not stated): TOPMed below 0.00001; ExAC 0.00001.
gnomAD v4.1: 19 of 1,613,050 alleles (0.0012%); highest among the groups gnomAD compares: African/African-American, 0.0027%; no homozygotes.

Submission:

Labcorp Genetics (formerly Invitae), Labcorp
Classification: Uncertain significance for Congenital sideroblastic anemia-B-cell immunodeficiency-periodic fever-developmental delay syndrome. Last evaluated: 2022-07-12. Review status: criteria provided, single submitter. Criteria: Invitae Variant Classification Sherloc (09022015). Collection method: clinical testing. Allele origin: germline.
Comment: In summary, the available evidence is currently insufficient to determine the role of this variant in disease. Therefore, it has been classified as a Variant of Uncertain Significance. Algorithms developed to predict the effect of sequence changes on RNA splicing suggest that this variant may disrupt the consensus splice site. Algorithms developed to predict the effect of missense changes on protein structure and function output the following: SIFT: "Tolerated"; PolyPhen-2: "Benign"; Align-GVGD: "Class C0". The methionine amino acid residue is found in multiple mammalian species, which suggests that this missense change does not adversely affect protein function. This variant has not been reported in the literature in individuals affected with TRNT1-related conditions. This variant is present in population databases (rs771427798, gnomAD 0.007%). This sequence change replaces isoleucine, which is neutral and non-polar, with methionine, which is neutral and non-polar, at codon 258 of the TRNT1 protein (p.Ile258Met).

NM_182916.3(TRNT1):c.774C>G (p.Ile258Met)

Gene: TRNT1 (tRNA nucleotidyl transferase 1; plus strand). Cytogenetic location: 3p26.2.
Variant type: single nucleotide variant.
Coding change: c.774C>G on transcript NM_182916.3 (MANE Select); coding-DNA position 774, C replaced by G.
Protein change: p.Ile258Met; replaces isoleucine 258 with methionine.
Molecular consequence: missense variant. On other transcripts: non-coding transcript variant (6), intron variant (1).
Genome position (GRCh38, 1-based): chr3:3,146,595, C>G. VCF-style: chr3-3146595-C-G. GRCh37 (hg19) VCF-style: chr3-3188279-C-G.
Other names: c.774C>G, p.Ile258Met (NM_001367321.1, NM_001367322.1, NM_001367323.1); c.742+32C>G (NM_001302946.2); short protein forms I258M.
Identifiers: ClinVar variation 2418296 (VCV002418296.4), dbSNP rs771427798, ClinGen allele CA2228774.